The following is an entry in ClinVar:

NM_000081.4(LYST):c.1189A>T (p.Arg397Ter)

Gene: LYST (lysosomal trafficking regulator; minus strand). Cytogenetic location: 1q42.3.
Variant type: single nucleotide variant.
Coding change: c.1189A>T on transcript NM_000081.4 (MANE Select); coding-DNA position 1189, A replaced by T.
Protein change: p.Arg397Ter; replaces arginine 397 with a stop codon.
Molecular consequence: nonsense.
Genome position (GRCh38, 1-based): chr1:235,809,629, T>A on the plus strand (A>T on the coding strand, the complement: LYST is on the minus strand). VCF-style: chr1-235809629-T-A. GRCh37 (hg19) VCF-style: chr1-235972929-T-A.
Other names: c.1189A>T, p.Arg397Ter (NM_001301365.1); short protein forms R397*.
Identifiers: ClinVar variation 2754291 (VCV002754291.3), dbSNP rs538193441, ClinGen allele CA1467498.

ClinVar aggregate classification (germline): Pathogenic (1 of 4 stars; one submission).

Conditions:
Chédiak-Higashi syndrome (CHS). Also called: Chediak-Higashi Syndrome. Identifiers: Orphanet 167, MedGen C0007965, MONDO:0008963, OMIM 214500.

Allele frequency attached by ClinVar (database versions not stated): gnomAD exomes below 0.00001; ExAC 0.00001; gnomAD 0.00001; 1000 Genomes Project 30x 0.00016; 1000 Genomes Project 0.00020.
gnomAD v4.1: 2 of 1,614,128 alleles (0.00012%); highest among the groups gnomAD compares: African/African-American, 0.0013%; no homozygotes.

Submission:

Labcorp Genetics (formerly Invitae), Labcorp
Classification: Pathogenic for Chédiak-Higashi syndrome. Last evaluated: 2023-08-29. Review status: criteria provided, single submitter. Criteria: Invitae Variant Classification Sherloc (09022015). Collection method: clinical testing. Allele origin: germline.
Comment: This sequence change creates a premature translational stop signal (p.Arg397*) in the LYST gene. It is expected to result in an absent or disrupted protein product. Loss-of-function variants in LYST are known to be pathogenic (PMID: 9215679, 11857544). This variant is present in population databases (rs538193441, gnomAD 0.007%). This variant has not been reported in the literature in individuals affected with LYST-related conditions. For these reasons, this variant has been classified as Pathogenic.

Literature cited by the submitters: PubMed 9215679; PubMed 11857544.